The following is an entry in ClinVar:

ClinVar aggregate classification (germline): Uncertain significance (1 of 4 stars; one submission).

Conditions:
Nephronophthisis 15 (NPHP15). Identifiers: Orphanet 3156, MedGen C3541853, MONDO:0013917, OMIM 614845.

gnomAD v4.1: 1 of 1,614,152 alleles (0.000062%); highest among the groups gnomAD compares: East Asian, 0.0022%; no homozygotes.

Submission:

Labcorp Genetics (formerly Invitae), Labcorp
Classification: Uncertain significance for Nephronophthisis 15. Last evaluated: 2022-03-28. Review status: criteria provided, single submitter. Criteria: Invitae Variant Classification Sherloc (09022015). Collection method: clinical testing. Allele origin: germline.
Comment: In summary, the available evidence is currently insufficient to determine the role of this variant in disease. Therefore, it has been classified as a Variant of Uncertain Significance. Algorithms developed to predict the effect of missense changes on protein structure and function are either unavailable or do not agree on the potential impact of this missense change (SIFT: "Deleterious"; PolyPhen-2: "Benign"; Align-GVGD: "Class C15"). This variant has not been reported in the literature in individuals affected with CEP164-related conditions. This variant is not present in population databases (gnomAD no frequency). This sequence change replaces serine, which is neutral and polar, with phenylalanine, which is neutral and non-polar, at codon 1346 of the CEP164 protein (p.Ser1346Phe).

NM_014956.5(CEP164):c.4037C>T (p.Ser1346Phe)

Gene: CEP164 (centrosomal protein 164; plus strand). Cytogenetic location: 11q23.3.
Variant type: single nucleotide variant.
Coding change: c.4037C>T on transcript NM_014956.5 (MANE Select); coding-DNA position 4037, C replaced by T.
Protein change: p.Ser1346Phe; replaces serine 1346 with phenylalanine.
Molecular consequence: missense variant.
Genome position (GRCh38, 1-based): chr11:117,409,906, C>T. VCF-style: chr11-117409906-C-T. GRCh37 (hg19) VCF-style: chr11-117280622-C-T.
Other names: c.4022C>T, p.Ser1341Phe (NM_001271933.2); short protein forms S1341F, S1346F.
Identifiers: ClinVar variation 2118802 (VCV002118802.4), dbSNP rs2136941463, ClinGen allele CA382745128.